The following is an entry in ClinVar:

NM_198253.3(TERT):c.1574G>A (p.Gly525Glu)

Gene: TERT (telomerase reverse transcriptase; minus strand). Cytogenetic location: 5p15.33.
Variant type: single nucleotide variant.
Coding change: c.1574G>A on transcript NM_198253.3 (MANE Select); coding-DNA position 1574, G replaced by A.
Protein change: p.Gly525Glu; replaces glycine 525 with glutamic acid.
Molecular consequence: missense variant. On other transcripts: non-coding transcript variant (2).
Genome position (GRCh38, 1-based): chr5:1,282,624, C>T on the plus strand (G>A on the coding strand, the complement: TERT is on the minus strand). VCF-style: chr5-1282624-C-T. GRCh37 (hg19) VCF-style: chr5-1282739-C-T.
Other names: c.1574G>A, p.Gly525Glu (NM_001193376.3); short protein forms G525E.
Identifiers: ClinVar variation 1424186 (VCV001424186.8), dbSNP rs1477152090, ClinGen allele CA359083624.

ClinVar aggregate classification (germline): Uncertain significance (1 of 4 stars; one submission).

Conditions:
Dyskeratosis congenita, autosomal dominant 2. Identifiers: MedGen C3151443, MONDO:0013521, OMIM 613989.
Idiopathic Pulmonary Fibrosis. Also called: Idiopathic fibrosing alveolitis, chronic form; idiopathic fibrosing alveolitis. Identifiers: Orphanet 2032, MedGen C1800706, MeSH D054990, MONDO:0800504.

Submission:

Labcorp Genetics (formerly Invitae), Labcorp
Classification: Uncertain significance for Dyskeratosis congenita, autosomal dominant 2; Idiopathic Pulmonary Fibrosis. Last evaluated: 2021-04-26. Review status: criteria provided, single submitter. Criteria: Invitae Variant Classification Sherloc (09022015). Collection method: clinical testing. Allele origin: germline.
Comment: Algorithms developed to predict the effect of missense changes on protein structure and function output the following: SIFT: "Tolerated"; PolyPhen-2: "Possibly Damaging"; Align-GVGD: "Class C0". The glutamic acid amino acid residue is found in multiple mammalian species, suggesting that this missense change does not adversely affect protein function. These predictions have not been confirmed by published functional studies and their clinical significance is uncertain. This variant has not been reported in the literature in individuals with TERT-related conditions. This variant is not present in population databases (ExAC no frequency). This sequence change replaces glycine with glutamic acid at codon 525 of the TERT protein (p.Gly525Glu). The glycine residue is moderately conserved and there is a moderate physicochemical difference between glycine and glutamic acid. Algorithms developed to predict the effect of sequence changes on RNA splicing suggest that this variant may disrupt the consensus splice site, but this prediction has not been confirmed by published transcriptional studies. In summary, the available evidence is currently insufficient to determine the role of this variant in disease. Therefore, it has been classified as a Variant of Uncertain Significance.